The following is an entry in ClinVar:

ClinVar aggregate classification (germline): Uncertain significance (1 of 4 stars; one submission).

Submission:

Women's Health and Genetics/Laboratory Corporation of America, LabCorp
Classification: Uncertain significance. Last evaluated: 2023-05-12. Review status: criteria provided, single submitter. Criteria: LabCorp Variant Classification Summary - May 2015. Collection method: clinical testing. Allele origin: germline.
Comment: Variant summary: BLM c.3005_3019del15 (p.Lys1002_Met1006del) results in an in-frame deletion that is predicted to remove amino acids from the encoded protein. The variant was absent in 251298 control chromosomes. The available data on variant occurrences in the general population are insufficient to allow any conclusion about variant significance. To our knowledge, no occurrence of c.3005_3019del15 in individuals affected with Bloom Syndrome and no experimental evidence demonstrating its impact on protein function have been reported. No clinical diagnostic laboratories have submitted clinical-significance assessments for this variant to ClinVar after 2014. Based on the evidence outlined above, the variant was classified as uncertain significance.

NM_000057.4(BLM):c.3005_3019del (p.Lys1002_Met1006del)

Gene: BLM (BLM RecQ like helicase; plus strand). Cytogenetic location: 15q26.1.
Variant type: Deletion.
Coding change: c.3005_3019del on transcript NM_000057.4 (MANE Select); coding-DNA positions 3005 to 3019, 15 bases deleted (AAAGACTTATAATGA).
Protein change: p.Lys1002_Met1006del.
Molecular consequence: inframe deletion.
Genome position (GRCh38, 1-based): chr15:90,790,830-90,790,844, AAAGACTTATAATGA deleted; deleting any 15 consecutive bases within chr15:90,790,827-90,790,844 gives the same sequence; the c. name uses the placement nearest the transcript's 3' end. VCF-style (leftmost placement, unchanged base first): chr15-90790826-CTGAAAAGACTTATAA-C. GRCh37 (hg19) VCF-style: chr15-91334056-CTGAAAAGACTTATAA-C.
Other names: c.3005_3019del, p.Lys1002_Met1006del (NM_001287246.2, NM_001287247.2); c.1880_1894del, p.Lys627_Met631del (NM_001287248.2).
Identifiers: ClinVar variation 2506225 (VCV002506225.1), dbSNP rs2505517070, ClinGen allele CA2580613327.